The following is an entry in ClinVar:

NM_001363.5(DKC1):c.442A>G (p.Ser148Gly)

Gene: DKC1 (dyskerin pseudouridine synthase 1; plus strand). Cytogenetic location: Xq28.
Variant type: single nucleotide variant.
Coding change: c.442A>G on transcript NM_001363.5 (MANE Select); coding-DNA position 442, A replaced by G.
Protein change: p.Ser148Gly; replaces serine 148 with glycine.
Molecular consequence: missense variant. On other transcripts: non-coding transcript variant (3).
Genome position (GRCh38, 1-based): chrX:154,766,394, A>G. VCF-style: chrX-154766394-A-G. GRCh37 (hg19) VCF-style: chrX-153994669-A-G.
Other names: c.442A>G, p.Ser148Gly (NM_001142463.3, NM_001288747.2); short protein forms S148G.
Identifiers: ClinVar variation 1740529 (VCV001740529.2), dbSNP rs2523681910, ClinGen allele CA414889925.

ClinVar aggregate classification (germline): Uncertain significance (1 of 4 stars; one submission).

Conditions:
Dyskeratosis congenita. Identifiers: Orphanet 1775, MedGen C0265965, MONDO:0015780.

Submission:

Ambry Genetics
Classification: Uncertain significance for Dyskeratosis congenita. Last evaluated: 2021-07-18. Review status: criteria provided, single submitter. Criteria: Ambry Variant Classification Scheme 2023. Collection method: clinical testing. Allele origin: germline.
Comment: The p.S148G variant (also known as c.442A>G), located in coding exon 5 of the DKC1 gene, results from an A to G substitution at nucleotide position 442. The serine at codon 148 is replaced by glycine, an amino acid with similar properties. This amino acid position is conserved. In addition, the in silico prediction for this alteration is inconclusive. Since supporting evidence is limited at this time, the clinical significance of this alteration remains unclear.